The following is an entry in ClinVar:

ClinVar aggregate classification (germline): Uncertain significance (1 of 4 stars; one submission).

Conditions:
DHX30-related disorder. Also called: DHX30-related condition.

Submission:

PreventionGenetics, part of Exact Sciences
Classification: Uncertain significance for DHX30-related condition. Last evaluated: 2025-09-06. Review status: criteria provided, single submitter. Criteria: ACMG Guidelines, 2015. Collection method: clinical testing. Allele origin: germline.
Comment: The DHX30 c.2058G>T variant is predicted to result in the amino acid substitution p.Gln686His. To our knowledge, this variant has not been reported in the literature or in a large population database (gnomAD), indicating this variant is rare. At this time, the clinical significance of this variant is uncertain due to the absence of conclusive functional and genetic evidence.

NM_138615.3(DHX30):c.2058G>T (p.Gln686His)

Gene: DHX30 (DExH-box helicase 30; plus strand). Cytogenetic location: 3p21.31.
Variant type: single nucleotide variant.
Coding change: c.2058G>T on transcript NM_138615.3 (MANE Select); coding-DNA position 2058, G replaced by T.
Protein change: p.Gln686His; replaces glutamine 686 with histidine.
Molecular consequence: missense variant.
Genome position (GRCh38, 1-based): chr3:47,847,484, G>T. VCF-style: chr3-47847484-G-T. GRCh37 (hg19) VCF-style: chr3-47888974-G-T.
Other names: c.1974G>T, p.Gln658His (NM_001330990.2); c.1941G>T, p.Gln647His (NM_014966.4); short protein forms Q647H, Q658H, Q686H.
Identifiers: ClinVar variation 4993803 (VCV004993803.1).